The following is an entry in ClinVar:

ClinVar aggregate classification (germline): Likely pathogenic (1 of 4 stars; one submission).

Conditions:
Glycogen storage disease, type II (IOPD). Also called: Pompe Disease; CARDIOMEGALIA GLYCOGENICA DIFFUSA; GLYCOGENOSIS, GENERALIZED, CARDIAC FORM; GSD II; POMPE DISEASE, INFANTILE-ONSET; GLYCOGEN STORAGE DISEASE II, INFANTILE-ONSET. Identifiers: Orphanet 365, MedGen C0017921, MONDO:0009290, OMIM 232300.

gnomAD v4.1: 1 of 1,562,300 alleles (0.000064%); no homozygotes.

Submission:

Genomenon, Inc
Classification: Likely pathogenic for Glycogen storage disease, type II. Last evaluated: 2026-07-01. Review status: criteria provided, single submitter. Criteria: Genomenon Sequence Variant Interpretation Standards - Updated. Collection method: curation. Allele origin: germline. Affected: yes.
Comment: GAA p.Ala880Asp (c.2639C>A) is a missense variant that changes the amino acid at codon 880 from Alanine to Aspartic acid. This variant has been observed in at least one proband with a GAA-related disorder in the compound heterozygous and/or homozygous state (PMID:14695532). At least one functional study has demonstrated a substantial alteration in protein function relative to the wild-type (PMID:19862843). It is absent or not present at a significant frequency in gnomAD. In silico models predict that this variant is possibly or probably damaging. In conclusion, we classify GAA p.Ala880Asp (c.2639C>A) as a likely pathogenic variant.

Literature cited by the submitters: PubMed 14695532; PubMed 19862843.

NM_000152.5(GAA):c.2639C>A (p.Ala880Asp)

Gene: GAA (alpha glucosidase; plus strand). Cytogenetic location: 17q25.3.
Variant type: single nucleotide variant.
Coding change: c.2639C>A on transcript NM_000152.5 (MANE Select); coding-DNA position 2639, C replaced by A.
Protein change: p.Ala880Asp; replaces alanine 880 with aspartic acid.
Molecular consequence: missense variant.
Genome position (GRCh38, 1-based): chr17:80,118,350, C>A. VCF-style: chr17-80118350-C-A. GRCh37 (hg19) VCF-style: chr17-78092149-C-A.
Other names: c.2639C>A, p.Ala880Asp (NM_001406741.1, NM_001079803.3, NM_001079804.3 and 1 more transcripts); short protein forms A880D.
Identifiers: ClinVar variation 4876449 (VCV004876449.1).